The following is an entry in ClinVar:

NM_001371986.1(UNC80):c.2394G>A (p.Lys798=)

Gene: UNC80 (unc-80 subunit of NALCN channel complex; plus strand). Cytogenetic location: 2q34.
Variant type: single nucleotide variant.
Coding change: c.2394G>A on transcript NM_001371986.1 (MANE Select); coding-DNA position 2394, G replaced by A.
Protein change: p.Lys798=; no amino-acid change (lysine 798 retained).
Molecular consequence: synonymous variant.
Genome position (GRCh38, 1-based): chr2:209,825,969, G>A. VCF-style: chr2-209825969-G-A. GRCh37 (hg19) VCF-style: chr2-210690693-G-A.
Other names: c.2394G>A, p.Lys798= (NM_032504.2, NM_182587.4).
Identifiers: ClinVar variation 719247 (VCV000719247.22), dbSNP rs61730238, ClinGen allele CA2083021.

ClinVar aggregate classification (germline): Benign/Likely benign. Review status: criteria provided, multiple submitters, no conflicts (2 of 4 stars). 4 submissions from 4 submitters: Benign (2); Likely benign (2). Last evaluated 2026-02-03.

Allele frequency attached by ClinVar (database versions not stated): gnomAD 0.00041 and 0.00046; TOPMed 0.00041; gnomAD exomes 0.00048 and 0.00067; 1000 Genomes Project 0.00060; ExAC 0.00073; 1000 Genomes Project 30x 0.00078; ESP Exome Variant Server 0.00088.
gnomAD v4.1: 1,019 of 1,551,048 alleles (0.066%); highest among the groups gnomAD compares: Middle Eastern, 0.43%; 2 homozygotes.

Submissions (4):

Labcorp Genetics (formerly Invitae), Labcorp
Classification: Benign. Last evaluated: 2026-02-03. Review status: criteria provided, single submitter. Criteria: Invitae Variant Classification Sherloc (09022015). Collection method: clinical testing. Allele origin: germline.

CeGaT Center for Human Genetics Tuebingen
Classification: Likely benign. Last evaluated: 2025-06-01. Review status: criteria provided, single submitter. Criteria: CeGaT Center For Human Genetics Tuebingen Variant Classification Criteria Version 2. Collection method: clinical testing. Allele origin: germline. Affected: yes. Observed: 1 variant allele.
Comment: UNC80: BP4, BP7

Blueprint Genetics
Classification: Likely benign. Last evaluated: 2024-11-19. Review status: criteria provided, single submitter. Criteria: ACMG Guidelines, 2015. Collection method: clinical testing. Allele origin: germline.

Breakthrough Genomics
Classification: Benign. Review status: criteria provided, single submitter. Criteria: ACMG Guidelines, 2015. Collection method: not provided. Allele origin: germline. Inheritance: Autosomal recessive inheritance. Affected: yes.